The following is an entry in ClinVar:

ClinVar aggregate classification (germline): Uncertain significance (1 of 4 stars; one submission).

Allele frequency attached by ClinVar (database versions not stated): gnomAD exomes below 0.00001; ExAC 0.00001.

Submission:

Labcorp Genetics (formerly Invitae), Labcorp
Classification: Uncertain significance. Last evaluated: 2025-10-20. Review status: criteria provided, single submitter. Criteria: Invitae Variant Classification Sherloc (09022015). Collection method: clinical testing. Allele origin: germline.
Comment: This sequence change replaces lysine, which is basic and polar, with arginine, which is basic and polar, at codon 55 of the RIMS1 protein (p.Lys55Arg). This variant is present in population databases (rs777506314, gnomAD 0.02%). This variant has not been reported in the literature in individuals affected with RIMS1-related conditions. ClinVar contains an entry for this variant (Variation ID: 1418037). An algorithm developed to predict the effect of missense changes on protein structure and function (PolyPhen-2) suggests that this variant is likely to be tolerated. In summary, the available evidence is currently insufficient to determine the role of this variant in disease. Therefore, it has been classified as a Variant of Uncertain Significance.

NM_014989.7(RIMS1):c.164A>G (p.Lys55Arg)

Gene: RIMS1 (regulating synaptic membrane exocytosis 1; plus strand). Cytogenetic location: 6q13.
Variant type: single nucleotide variant.
Coding change: c.164A>G on transcript NM_014989.7 (MANE Select); coding-DNA position 164, A replaced by G.
Protein change: p.Lys55Arg; replaces lysine 55 with arginine.
Molecular consequence: missense variant.
Genome position (GRCh38, 1-based): chr6:71,887,187, A>G. VCF-style: chr6-71887187-A-G. GRCh37 (hg19) VCF-style: chr6-72596890-A-G.
Other names: c.164A>G, p.Lys55Arg (NM_001350411.1, NM_001350412.1, NM_001350413.1); short protein forms K55R.
Identifiers: ClinVar variation 1418037 (VCV001418037.6), dbSNP rs777506314, ClinGen allele CA3885389.